The following is an entry in ClinVar:

Single allele

Variant type: Deletion.
Identifiers: ClinVar variation 156959 (VCV000156959.2).

ClinVar aggregate classification (germline): not provided. Review status: no classification provided (0 of 4 stars). 4 submissions from 1 submitter: not provided (4).

Conditions:
Preeclampsia. Identifiers: Orphanet 275555, MedGen C0032914, MONDO:0005081, HP:0100602.
Normal pregnancy. Identifiers: MedGen C0232989.
Large for gestational age. Identifiers: MedGen C1848395, HP:0001520.
Gestational diabetes mellitus uncontrolled. Identifiers: MedGen C3532257.

Submissions (4):

Institute of Molecular and Cell Biology, University of Tartu
No classification provided. Condition: Normal pregnancy. Review status: no classification provided. Collection method: case-control. Allele origin: unknown. Affected: yes. Study: Kasak2014.
Comment: The study aimed to determine the contribution of copy number variants in the genetic etiology of normal and complicated pregnancies. The samples represented (i) maternal blood DNA drawn from healthy pregnant women during 1st or 2nd trimester and (ii) maternal and paternal blood DNA drawn at term pregnancy cases representing normal and complicated gestations (severe preeclampsia, PE; gestational diabetes, GD; small-for-gestational age newborn, SGA; large-for-gestational age newborn, LGA). We performed CNV calling based on genome-wide genotyping dataset (Illumina HumanOmniExpress-24-v1 BeadChip) by applying three algorithms, QuantiSNP, GADA (Genome Alteration Detection Algorithm) and CNstream in parallel. The acquired CNV calls were merged with HD-CNV (Hotspot Detector for Copy Number Variants) program and only the CNVs predicted by at least two programs, were considered in subsequent analysis.

Institute of Molecular and Cell Biology, University of Tartu
No classification provided. Condition: Large for gestational age. Review status: no classification provided. Collection method: case-control. Allele origin: unknown. Affected: yes. Study: Kasak2014.
Comment: the same text as in the submission from Institute of Molecular and Cell Biology, University of Tartu above.

Institute of Molecular and Cell Biology, University of Tartu
No classification provided. Condition: Preeclampsia. Review status: no classification provided. Collection method: case-control. Allele origin: unknown. Affected: yes. Study: Kasak2014.
Comment: the same text as in the submission from Institute of Molecular and Cell Biology, University of Tartu above.

Institute of Molecular and Cell Biology, University of Tartu
No classification provided. Condition: Gestational diabetes mellitus uncontrolled. Review status: no classification provided. Collection method: case-control. Allele origin: unknown. Affected: yes. Study: Kasak2014.
Comment: the same text as in the submission from Institute of Molecular and Cell Biology, University of Tartu above.

Literature cited by the submitters: PubMed 25666259.